The following is an entry in ClinVar:

NM_203447.4(DOCK8):c.1178G>A (p.Arg393His)

Gene: DOCK8 (dedicator of cytokinesis 8; plus strand). Cytogenetic location: 9p24.3.
Variant type: single nucleotide variant.
Coding change: c.1178G>A on transcript NM_203447.4 (MANE Select); coding-DNA position 1178, G replaced by A.
Protein change: p.Arg393His; replaces arginine 393 with histidine.
Molecular consequence: missense variant.
Genome position (GRCh38, 1-based): chr9:334,277, G>A. VCF-style: chr9-334277-G-A. GRCh37 (hg19) VCF-style: chr9-334277-G-A.
Other names: c.974G>A, p.Arg325His (NM_001190458.2, NM_001193536.2); short protein forms R325H, R393H.
Identifiers: ClinVar variation 949403 (VCV000949403.12), dbSNP rs374952856, ClinGen allele CA4957639.

ClinVar aggregate classification (germline): Uncertain significance. Review status: criteria provided, multiple submitters, no conflicts (2 of 4 stars). 4 submissions from 4 submitters: Uncertain significance (4). Last evaluated 2026-07-07.

Conditions:
DOCK8-related disorder. Also called: DOCK8-related condition.

Allele frequency attached by ClinVar (database versions not stated): gnomAD 0.00003 and 0.00004; gnomAD exomes 0.00004; TOPMed 0.00004; ExAC 0.00006; ESP Exome Variant Server 0.00008.
gnomAD v4.1: 89 of 1,614,086 alleles (0.0055%); highest among the groups gnomAD compares: Middle Eastern, 0.033%; no homozygotes.

Submissions (4):

PreventionGenetics, part of Exact Sciences
Classification: Uncertain significance for DOCK8-related condition. Last evaluated: 2026-07-07. Review status: criteria provided, single submitter. Criteria: ACMG Guidelines, 2015. Collection method: clinical testing. Allele origin: germline.
Comment: The DOCK8 c.1178G>A variant is predicted to result in the amino acid substitution p.Arg393His. To our knowledge, this variant has not been reported in the literature. This variant is reported in 0.0062% of alleles in individuals of European (Non-Finnish) descent in gnomAD. At this time, the clinical significance of this variant is uncertain due to the absence of conclusive functional and genetic evidence.

Labcorp Genetics (formerly Invitae), Labcorp
Classification: Uncertain significance for Combined immunodeficiency due to DOCK8 deficiency. Last evaluated: 2024-12-04. Review status: criteria provided, single submitter. Criteria: Invitae Variant Classification Sherloc (09022015). Collection method: clinical testing. Allele origin: germline.
Comment: This sequence change replaces arginine, which is basic and polar, with histidine, which is basic and polar, at codon 393 of the DOCK8 protein (p.Arg393His). The frequency data for this variant in the population databases is considered unreliable, as metrics indicate poor data quality at this position in the gnomAD database. This variant has not been reported in the literature in individuals affected with DOCK8-related conditions. ClinVar contains an entry for this variant (Variation ID: 949403). Invitae Evidence Modeling of protein sequence and biophysical properties (such as structural, functional, and spatial information, amino acid conservation, physicochemical variation, residue mobility, and thermodynamic stability) indicates that this missense variant is expected to disrupt DOCK8 protein function with a positive predictive value of 80%. In summary, the available evidence is currently insufficient to determine the role of this variant in disease. Therefore, it has been classified as a Variant of Uncertain Significance.

Genetic Services Laboratory, University of Chicago
Classification: Uncertain significance. Last evaluated: 2024-08-08. Review status: criteria provided, single submitter. Criteria: ACMG Guidelines, 2015. Collection method: clinical testing. Allele origin: germline. Affected: no.
Comment: DNA sequence analysis of the DOCK8 gene demonstrated a sequence change, c.1178G>A, in exon 11 that results in an amino acid change, p.Arg393His. This sequence change does not appear to have been previously described in individuals with DOCK8-related disorders. This sequence change has been described in the gnomAD database with a frequency of 0.004% in the European (non-Finnish) subpopulation (dbSNP rs374952856). The p.Arg393His change affects a moderately conserved amino acid residue located in a domain of the DOCK8 protein that is not known to be functional. In-silico pathogenicity prediction tools (SIFT, PolyPhen2, Align GVGD, REVEL) provide contradictory results for the p.Arg393His substitution. Due to insufficient evidences and the lack of functional studies, the clinical significance of the p.Arg393His change remains unknown at this time.

Blueprint Genetics
Classification: Uncertain significance. Last evaluated: 2023-12-19. Review status: criteria provided, single submitter. Criteria: ACMG Guidelines, 2015. Collection method: clinical testing. Allele origin: germline.